The following is an entry in ClinVar:

ClinVar aggregate classification (germline): Benign/Likely benign. Review status: criteria provided, multiple submitters, no conflicts (2 of 4 stars). 5 submissions from 5 submitters: Benign (4); Likely benign (1). Last evaluated 2026-01-26.

Allele frequency attached by ClinVar (database versions not stated): gnomAD exomes 0.00184; ExAC 0.00208; gnomAD 0.00682 and 0.00725; ESP Exome Variant Server 0.00777; TOPMed 0.00778; 1000 Genomes Project 0.00779; 1000 Genomes Project 30x 0.00812.
gnomAD v4.1: 2,029 of 1,613,776 alleles (0.13%); highest among the groups gnomAD compares: African/African-American, 2.3%; 20 homozygotes.

Submissions (5):

Labcorp Genetics (formerly Invitae), Labcorp
Classification: Benign. Last evaluated: 2026-01-26. Review status: criteria provided, single submitter. Criteria: Invitae Variant Classification Sherloc (09022015). Collection method: clinical testing. Allele origin: germline.

Women's Health and Genetics/Laboratory Corporation of America, LabCorp
Classification: Likely benign. Last evaluated: 2026-01-08. Review status: criteria provided, single submitter. Criteria: LabCorp Variant Classification Summary - May 2015. Collection method: clinical testing. Allele origin: germline.

GeneDx
Classification: Benign. Last evaluated: 2019-07-26. Review status: criteria provided, single submitter. Criteria: GeneDx Variant Classification Process June 2021. Collection method: clinical testing. Allele origin: germline. Affected: yes.

Laboratory for Molecular Medicine, Mass General Brigham Personalized Medicine
Classification: Benign. Last evaluated: 2012-04-30. Review status: criteria provided, single submitter. Criteria: LMM Criteria. Collection method: clinical testing. Allele origin: germline. Observed: 10 variant alleles.
Comment: Tyr2112Tyr in Exon 30 of MYO15A: This variant is not expected to have clinical s ignificance because it does not alter an amino acid residue, is not located with in the splice consensus sequence, and has been identified in 2.4% (83/3494) of A frican American chromosomes from a broad population by the NHLBI Exome Sequencin g Project (dbSNP rs76886140).

Breakthrough Genomics
Classification: Benign. Review status: criteria provided, single submitter. Criteria: ACMG Guidelines, 2015. Collection method: not provided. Allele origin: germline. Inheritance: Autosomal recessive inheritance. Affected: yes.

NM_016239.4(MYO15A):c.6336C>T (p.Tyr2112=)

Gene: MYO15A (myosin XVA; plus strand). Cytogenetic location: 17p11.2.
Variant type: single nucleotide variant.
Coding change: c.6336C>T on transcript NM_016239.4 (MANE Select); coding-DNA position 6336, C replaced by T.
Protein change: p.Tyr2112=; no amino-acid change (tyrosine 2112 retained).
Molecular consequence: synonymous variant.
Genome position (GRCh38, 1-based): chr17:18,145,934, C>T. VCF-style: chr17-18145934-C-T. GRCh37 (hg19) VCF-style: chr17-18049248-C-T.
Identifiers: ClinVar variation 178447 (VCV000178447.17), dbSNP rs76886140, ClinGen allele CA182352.
Genomic context (GRCh38, chr17:18,145,934, plus strand): 5'-CCTGCGCTTCATGGGCGACCCCCACCTGCATGGTGCCCGGGAGAACATCTTCGGGAACTA[C>T]ATCGTGCAGAAGGGGCTGGCGGTGCCTGAGCTGCGGGATGAGATCCTGGCACAGCTGGCC-3'
Protein context (NP_057323.3, residues 2102-2122): HGARENIFGN[Tyr2112=]IVQKGLAVPE